The following is an entry in ClinVar:

NM_006907.4(PYCR1):c.735G>A (p.Leu245=)

Gene: PYCR1 (pyrroline-5-carboxylate reductase 1; minus strand). Cytogenetic location: 17q25.3.
Variant type: single nucleotide variant.
Coding change: c.735G>A on transcript NM_006907.4 (MANE Select); coding-DNA position 735, G replaced by A.
Protein change: p.Leu245=; no amino-acid change (leucine 245 retained).
Molecular consequence: synonymous variant. On other transcripts: intron variant (1).
Genome position (GRCh38, 1-based): chr17:81,934,388, C>T on the plus strand (G>A on the coding strand, the complement: PYCR1 is on the minus strand). VCF-style: chr17-81934388-C-T. GRCh37 (hg19) VCF-style: chr17-79892264-C-T.
Other names: c.735G>A (NM_006907.3); c.642G>A, p.Leu214= (NM_001282279.2); c.735G>A, p.Leu245= (NM_001282280.2, NM_153824.3); c.816G>A, p.Leu272= (NM_001282281.2); c.633+265G>A (NM_001330523.2).
Identifiers: ClinVar variation 4694863 (VCV004694863.2).

ClinVar aggregate classification (germline): Likely benign. Review status: criteria provided, multiple submitters, no conflicts (2 of 4 stars). 2 submissions from 2 submitters: Likely benign (2). Last evaluated 2025-12-30.

Conditions:
PYCR1-related disorder. Also called: PYCR1-related condition.

gnomAD v4.1: 24 of 1,612,622 alleles (0.0015%); highest among the groups gnomAD compares: South Asian, 0.012%; 1 homozygote.

Submissions (2):

Labcorp Genetics (formerly Invitae), Labcorp
Classification: Likely benign. Last evaluated: 2025-12-30. Review status: criteria provided, single submitter. Criteria: Invitae Variant Classification Sherloc (09022015). Collection method: clinical testing. Allele origin: germline.

PreventionGenetics, part of Exact Sciences
Classification: Likely benign for PYCR1-related condition. Last evaluated: 2025-09-06. Review status: criteria provided, single submitter. Criteria: ACMG Guidelines, 2015. Collection method: clinical testing. Allele origin: germline.
Comment: This variant is classified as likely benign based on ACMG/AMP sequence variant interpretation guidelines (Richards et al. 2015 PMID: 25741868, with internal and published modifications).